The following is an entry in ClinVar:

NM_001254.4(CDC6):c.1185-3T>C

Gene: CDC6 (cell division cycle 6; plus strand). Cytogenetic location: 17q21.2.
Variant type: single nucleotide variant.
Coding change: c.1185-3T>C on transcript NM_001254.4 (MANE Select); 3 bases into the intron before coding-DNA position 1185, T replaced by C.
Molecular consequence: intron variant.
Genome position (GRCh38, 1-based): chr17:40,296,700, T>C. VCF-style: chr17-40296700-T-C. GRCh37 (hg19) VCF-style: chr17-38452952-T-C.
Identifiers: ClinVar variation 1007496 (VCV001007496.6), dbSNP rs1174162115, ClinGen allele CA625965049.

ClinVar aggregate classification (germline): Uncertain significance (1 of 4 stars; one submission).

Allele frequency attached by ClinVar (database versions not stated): gnomAD exomes below 0.00001; TOPMed below 0.00001.

Submission:

Labcorp Genetics (formerly Invitae), Labcorp
Classification: Uncertain significance. Last evaluated: 2022-06-13. Review status: criteria provided, single submitter. Criteria: Invitae Variant Classification Sherloc (09022015). Collection method: clinical testing. Allele origin: germline.
Comment: In summary, the available evidence is currently insufficient to determine the role of this variant in disease. Therefore, it has been classified as a Variant of Uncertain Significance. Variants that disrupt the consensus splice site are a relatively common cause of aberrant splicing (PMID: 17576681, 9536098). Algorithms developed to predict the effect of sequence changes on RNA splicing suggest that this variant is not likely to affect RNA splicing. ClinVar contains an entry for this variant (Variation ID: 1007496). This variant has not been reported in the literature in individuals affected with CDC6-related conditions. This variant is present in population databases (no rsID available, gnomAD 0.003%). This sequence change falls in intron 8 of the CDC6 gene. It does not directly change the encoded amino acid sequence of the CDC6 protein. It affects a nucleotide within the consensus splice site.

Literature cited by the submitters: PubMed 17576681; PubMed 9536098.